The following is an entry in ClinVar:

ClinVar aggregate classification (germline): Uncertain significance (1 of 4 stars; one submission).

Submission:

Women's Health and Genetics/Laboratory Corporation of America, LabCorp
Classification: Uncertain significance. Last evaluated: 2024-06-24. Review status: criteria provided, single submitter. Criteria: LabCorp Variant Classification Summary - May 2015. Collection method: clinical testing. Allele origin: germline.
Comment: Variant summary: CHD7 c.*14delC is located in the untranslated mRNA region downstream of the termination codon. The variant allele was found at a frequency of 4.4e-06 in 1584102 control chromosomes. The available data on variant occurrences in the general population are insufficient to allow any conclusion about variant significance. To our knowledge, no occurrence of c.*14delC in individuals affected with CHD7-related conditions and no experimental evidence demonstrating its impact on protein function have been reported. No submitters have cited clinical-significance assessments for this variant to ClinVar. Based on the evidence outlined above, the variant was classified as uncertain significance.

NM_017780.4(CHD7):c.*14del

Gene: CHD7 (chromodomain helicase DNA binding protein 7; plus strand). Cytogenetic location: 8q12.2.
Variant type: Deletion.
Coding change: c.*14del on transcript NM_017780.4 (MANE Select); 14 bases downstream of the stop codon, one base deleted (C; older notation c.*14delC).
Molecular consequence: 3 prime UTR variant.
Genome position (GRCh38, 1-based): chr8:60,865,947, C deleted; the last of 2 consecutive C bases (chr8:60,865,946-60,865,947); deleting either gives the same sequence. VCF-style (leftmost placement, unchanged base first): chr8-60865945-TC-T. GRCh37 (hg19) VCF-style: chr8-61778504-TC-T.
Other names: c.*14del (NM_001316690.1); c.*14delC (NM_017780.4).
Identifiers: ClinVar variation 3339820 (VCV003339820.1).
Genomic context (GRCh38, chr8:60,865,945, plus strand): 5'-CTCACTTGATGGGGGGGATGAAATAGAAAACAATGAAAATGATGAATAACCAGTACCAGT[TC>T]CAGTTCAAGTGTTTAAAACTTTTGACAAGTGGTAGTCCTACTGTTTACACTCACAGTTAA-3'